The following is an entry in ClinVar:

NM_018669.6(WDR4):c.1122G>A (p.Lys374=)

Gene: WDR4 (WDR4 tRNA N7-guanosine methyltransferase non-catalytic subunit; minus strand). Cytogenetic location: 21q22.3.
Variant type: single nucleotide variant.
Coding change: c.1122G>A on transcript NM_018669.6 (MANE Select); coding-DNA position 1122, G replaced by A.
Protein change: p.Lys374=; no amino-acid change (lysine 374 retained).
Molecular consequence: synonymous variant. On other transcripts: non-coding transcript variant (1).
Genome position (GRCh38, 1-based): chr21:42,850,166, C>T on the plus strand (G>A on the coding strand, the complement: WDR4 is on the minus strand). VCF-style: chr21-42850166-C-T. GRCh37 (hg19) VCF-style: chr21-44270276-C-T.
Other names: c.1122G>A (NM_033661.4); c.1119G>A, p.Lys373= (NM_001260474.2); c.684G>A, p.Lys228= (NM_001260475.2, NM_001260476.2, NM_001260477.2); c.1122G>A, p.Lys374= (NM_033661.5).
Identifiers: ClinVar variation 1566816 (VCV001566816.11), dbSNP rs368777100, ClinGen allele CA10045783.

ClinVar aggregate classification (germline): Benign/Likely benign. Review status: criteria provided, multiple submitters, no conflicts (2 of 4 stars). 3 submissions from 3 submitters: Benign (1); Likely benign (1). 1 of the submissions does not count toward it. Last evaluated 2025-11-05.

Conditions:
WDR4-related disorder. Also called: WDR4-Related Disorders; WDR4-related condition.

Allele frequency attached by ClinVar (database versions not stated): TOPMed 0.00004; 1000 Genomes Project 30x 0.00016; 1000 Genomes Project 0.00020.

Submissions (3):

Labcorp Genetics (formerly Invitae), Labcorp
Classification: Benign. Last evaluated: 2025-11-05. Review status: criteria provided, single submitter. Criteria: Invitae Variant Classification Sherloc (09022015). Collection method: clinical testing. Allele origin: germline.

Blueprint Genetics
Classification: Likely benign. Last evaluated: 2024-11-25. Review status: criteria provided, single submitter. Criteria: ACMG Guidelines, 2015. Collection method: clinical testing. Allele origin: germline.

PreventionGenetics, part of Exact Sciences
Classification: Likely benign for WDR4-related condition. Last evaluated: 2019-02-21. Review status: no assertion criteria provided. Collection method: clinical testing. Allele origin: germline. Not counted in ClinVar's aggregate classification.
Comment: This variant is classified as likely benign based on ACMG/AMP sequence variant interpretation guidelines (Richards et al. 2015 PMID: 25741868, with internal and published modifications).